The following is an entry in ClinVar:

NM_005751.5(AKAP9):c.11645G>A (p.Arg3882Gln)

Gene: AKAP9 (A-kinase anchoring protein 9; plus strand). Cytogenetic location: 7q21.2.
Variant type: single nucleotide variant.
Coding change: c.11645G>A on transcript NM_005751.5 (MANE Select); coding-DNA position 11645, G replaced by A.
Protein change: p.Arg3882Gln; replaces arginine 3882 with glutamine.
Molecular consequence: missense variant.
Genome position (GRCh38, 1-based): chr7:92,108,592, G>A. VCF-style: chr7-92108592-G-A. GRCh37 (hg19) VCF-style: chr7-91737906-G-A.
Other names: c.6290G>A, p.Arg2097Gln (NM_001379277.1); c.11621G>A, p.Arg3874Gln (NM_147185.3); short protein forms R2097Q, R3882Q, R3874Q.
Identifiers: ClinVar variation 4707306 (VCV004707306.1).
Genomic context (GRCh38, chr7:92,108,592, plus strand): 5'-TAGCATGTTCTCAGCTTCAGAATTACGATCCTGACAGAGCCCTAACAGATTATATCACTC[G>A]GCTAGAGGCACTGCAAAGACGACTTGGAACTATACAGTCAGGTGCTCTGAGTTTAACCAC-3'
Protein context (NP_005742.4, residues 3872-3892): PDRALTDYIT[Arg3882Gln]LEALQRRLGT

ClinVar aggregate classification (germline): Uncertain significance (1 of 4 stars; one submission).

Conditions:
Long QT syndrome (LQTS). Identifiers: MedGen C0023976, MeSH D008133, MONDO:0002442. Disease mechanism: loss of function. Inheritance: Various modes of inheritance.

gnomAD v4.1: 7 of 1,614,084 alleles (0.00043%); highest among the groups gnomAD compares: South Asian, 0.0011%; no homozygotes.

Submission:

Labcorp Genetics (formerly Invitae), Labcorp
Classification: Uncertain significance for Long QT syndrome. Last evaluated: 2025-11-03. Review status: criteria provided, single submitter. Criteria: Invitae Variant Classification Sherloc (09022015). Collection method: clinical testing. Allele origin: germline.
Comment: This sequence change replaces arginine, which is basic and polar, with glutamine, which is neutral and polar, at codon 3882 of the AKAP9 protein (p.Arg3882Gln). This variant is present in population databases (no rsID available, gnomAD 0.0009%). This variant has not been reported in the literature in individuals affected with AKAP9-related conditions. An algorithm developed to predict the effect of missense changes on protein structure and function outputs the following: PolyPhen-2: "Probably Damaging". The glutamine amino acid residue is found in multiple mammalian species, which suggests that this missense change does not adversely affect protein function. In summary, the available evidence is currently insufficient to determine the role of this variant in disease. Therefore, it has been classified as a Variant of Uncertain Significance.